The following is an entry in ClinVar:

ClinVar aggregate classification (germline): Uncertain significance (1 of 4 stars; one submission).

Submission:

GeneDx
Classification: Uncertain significance. Last evaluated: 2015-12-31. Review status: criteria provided, single submitter. Criteria: GeneDx Variant Classification (06012015). Collection method: clinical testing. Allele origin: germline. Affected: yes.
Comment: The M157I variant has not been published as a pathogenic variant, nor has it been reported as a benign variant to our knowledge. It was not observed in approximately 6,500 individuals of European and African American ancestry in the NHLBI Exome Sequencing Project, indicating it is not a common benign variant in these populations. The M157I variant is a conservative amino acid substitution, which is not likely to impact secondary protein structure as these residues share similar properties. Additionally, this substitution occurs at a position where amino acids with similar properties to Methionine are tolerated across species. In silico analysis is inconsistent in its predictions as to whether or not the variant is damaging to the protein structure/function. Based on the currently available information, it is unclear whether this variant is a pathogenic variant or a rare benign variant.

NM_000834.5(GRIN2B):c.471G>C (p.Met157Ile)

Gene: GRIN2B (glutamate ionotropic receptor NMDA type subunit 2B; minus strand). Cytogenetic location: 12p13.1.
Variant type: single nucleotide variant.
Coding change: c.471G>C on transcript NM_000834.5 (MANE Select); coding-DNA position 471, G replaced by C.
Protein change: p.Met157Ile; replaces methionine 157 with isoleucine.
Molecular consequence: missense variant.
Genome position (GRCh38, 1-based): chr12:13,753,856, C>G on the plus strand (G>C on the coding strand, the complement: GRIN2B is on the minus strand). VCF-style: chr12-13753856-C-G. GRCh37 (hg19) VCF-style: chr12-13906790-C-G.
Other names: short protein forms M157I.
Identifiers: ClinVar variation 234730 (VCV000234730.2), dbSNP rs876661185, ClinGen allele CA10577451.